The following is an entry in ClinVar:

ClinVar aggregate classification (germline): Uncertain significance. Review status: criteria provided, multiple submitters, no conflicts (2 of 4 stars). 7 submissions from 7 submitters: Uncertain significance (6). 1 of the submissions does not count toward it. Last evaluated 2024-03-08.

Conditions:
Fanconi anemia (FA). Also called: Fanconi's anemia. Identifiers: Orphanet 84, MedGen C0015625, MeSH D005199, MONDO:0019391.
Fanconi anemia complementation group A (FANCA). Also called: Fanconi anemia, group A; FANCA-Related Fanconi Anemia. Identifiers: Orphanet 84, MedGen C3469521, MONDO:0009215, OMIM 227650.

Allele frequency attached by ClinVar (database versions not stated): gnomAD 0.00003; TOPMed 0.00003; ESP Exome Variant Server 0.00015.
gnomAD v4.1: 41 of 1,614,114 alleles (0.0025%); highest among the groups gnomAD compares: South Asian, 0.0033%; no homozygotes.

Submissions (7):

Fulgent Genetics
Classification: Uncertain significance for Fanconi anemia complementation group A. Last evaluated: 2024-03-08. Review status: criteria provided, single submitter. Criteria: ACMG Guidelines, 2015. Collection method: clinical testing. Allele origin: germline.

Quest Diagnostics Nichols Institute San Juan Capistrano
Classification: Uncertain significance. Last evaluated: 2023-06-22. Review status: criteria provided, single submitter. Criteria: Quest Diagnostics criteria. Collection method: clinical testing. Allele origin: unknown.
Comment: In the published literature, this variant has been reported in an individual with clear cell papillary renal cell carcinoma (PMID: 34512202 (2021)). The frequency of this variant in the general population, 0.000023 (3/129068 chromosomes (Genome Aggregation Database)), is uninformative in the assessment of its pathogenicity. Analysis of this variant using bioinformatics tools for the prediction of the effect of amino acid changes on protein structure and function yielded conflicting predictions that this variant is benign or damaging. Based on the available information, we are unable to determine the clinical significance of this variant.

Labcorp Genetics (formerly Invitae), Labcorp
Classification: Uncertain significance for Fanconi anemia. Last evaluated: 2022-10-15. Review status: criteria provided, single submitter. Criteria: Invitae Variant Classification Sherloc (09022015). Collection method: clinical testing. Allele origin: germline.
Comment: This sequence change replaces glycine, which is neutral and non-polar, with arginine, which is basic and polar, at codon 1062 of the FANCA protein (p.Gly1062Arg). The frequency data for this variant in the population databases is considered unreliable, as metrics indicate poor data quality at this position in the gnomAD database. This variant has not been reported in the literature in individuals affected with FANCA-related conditions. ClinVar contains an entry for this variant (Variation ID: 972555). Advanced modeling of protein sequence and biophysical properties (such as structural, functional, and spatial information, amino acid conservation, physicochemical variation, residue mobility, and thermodynamic stability) performed at Invitae indicates that this missense variant is expected to disrupt FANCA protein function. In summary, the available evidence is currently insufficient to determine the role of this variant in disease. Therefore, it has been classified as a Variant of Uncertain Significance.

Sema4
Classification: Uncertain significance for Fanconi anemia. Last evaluated: 2021-08-12. Review status: criteria provided, single submitter. Criteria: Sema4 Curation Guidelines. Collection method: curation. Allele origin: germline.
Comment: To the best of our knowledge, the FANCA c.3184G>A (p.G1062R) variant has not been reported in individuals with FANCA-related disease. This variant was observed in 1/19950 chromosomes in the East Asian subpopulation according to the Genome Aggregation Database (PMID: 32461654) and has been reported in ClinVar (Variation ID: 972555). Functional studies have not been performed, and in silico predictions of the variant's effect on protein function are inconclusive. Based on the current evidence available, this variant is interpreted as a variant of uncertain significance.

Genome-Nilou Lab
Classification: Uncertain significance for Fanconi anemia complementation group A. Last evaluated: 2021-07-14. Review status: criteria provided, single submitter. Criteria: ACMG Guidelines, 2015. Collection method: clinical testing. Allele origin: germline. Affected: no.

Genetic Services Laboratory, University of Chicago
Classification: Uncertain significance. Last evaluated: 2019-12-09. Review status: criteria provided, single submitter. Criteria: ACMG Guidelines, 2015. Collection method: clinical testing. Allele origin: germline. Affected: no.

Natera, Inc.
Classification: Uncertain significance for Fanconi anemia. Last evaluated: 2020-04-23. Review status: no assertion criteria provided. Collection method: clinical testing. Allele origin: germline. Not counted in ClinVar's aggregate classification.

Literature cited by the submitters: PubMed 34512202 (cited by Quest Diagnostics Nichols Institute San Juan Capistrano).

NM_000135.4(FANCA):c.3184G>A (p.Gly1062Arg)

Gene: FANCA (FA complementation group A; minus strand). Cytogenetic location: 16q24.3.
Variant type: single nucleotide variant.
Coding change: c.3184G>A on transcript NM_000135.4 (MANE Select); coding-DNA position 3184, G replaced by A.
Protein change: p.Gly1062Arg; replaces glycine 1062 with arginine.
Molecular consequence: missense variant.
Genome position (GRCh38, 1-based): chr16:89,749,785, C>T on the plus strand (G>A on the coding strand, the complement: FANCA is on the minus strand). VCF-style: chr16-89749785-C-T. GRCh37 (hg19) VCF-style: chr16-89816193-C-T.
Other names: c.3184G>A (NM_000135.3); c.3184G>A, p.Gly1062Arg (NM_001286167.3); short protein forms G1062R.
Identifiers: ClinVar variation 972555 (VCV000972555.16), dbSNP rs142379991, ClinGen allele CA8251306.
Genomic context (GRCh38, chr16:89,749,785, plus strand): 5'-GTTACCGTTTGTACATTAGCAGCTCCCTCTGTCTCTGAAGGCTGGCAGCCACGCTCCACC[C>T]GCTTGTCAGAGCCTGGAGCCGTCTGCGGAAAATCTCAAAGAGGAAGTGCTCCTGGGAAGG-3'
Protein context (NP_000126.2, residues 1052-1072): FRRRLQALTS[Gly1062Arg]WSVAASLQRQ